The following is an entry in ClinVar:

ClinVar aggregate classification (germline): Pathogenic/Likely pathogenic. Review status: criteria provided, multiple submitters, no conflicts (2 of 4 stars). 2 submissions from 2 submitters: Pathogenic (1); Likely pathogenic (1). Last evaluated 2024-04-17.

Conditions:
Congenital dyserythropoietic anemia, type II (CDAN2). Also called: DYSERYTHROPOIETIC ANEMIA, HEMPAS TYPE. Identifiers: Orphanet 98873, MedGen C1306589, MONDO:0009134, OMIM 224100.
Cowden syndrome 7 (CWS7). Identifiers: Orphanet 201, MedGen C4225179, MONDO:0014802, OMIM 616858.

Allele frequency attached by ClinVar (database versions not stated): gnomAD 0.00001; gnomAD exomes 0.00001; TOPMed 0.00002.

Submissions (2):

Fulgent Genetics
Classification: Likely pathogenic for Congenital dyserythropoietic anemia, type II; Cowden syndrome 7. Last evaluated: 2024-04-17. Review status: criteria provided, single submitter. Criteria: ACMG Guidelines, 2015. Collection method: clinical testing. Allele origin: germline.

Labcorp Genetics (formerly Invitae), Labcorp
Classification: Pathogenic for Congenital dyserythropoietic anemia, type II; Cowden syndrome 7. Last evaluated: 2024-02-20. Review status: criteria provided, single submitter. Criteria: Invitae Variant Classification Sherloc (09022015). Collection method: clinical testing. Allele origin: germline.
Comment: This sequence change creates a premature translational stop signal (p.Ala717Valfs*8) in the SEC23B gene. While this is not anticipated to result in nonsense mediated decay, it is expected to disrupt the last 51 amino acid(s) of the SEC23B protein. This variant is not present in population databases (gnomAD no frequency). This premature translational stop signal has been observed in individual(s) with congenital dyserythropoietic anemia type II (PMID: 20941788). ClinVar contains an entry for this variant (Variation ID: 632369). This variant disrupts a region of the SEC23B protein in which other variant(s) (p.Phe754Leufs*5) have been determined to be pathogenic (PMID: 27471141; Invitae). This suggests that this is a clinically significant region of the protein, and that variants that disrupt it are likely to be disease-causing. For these reasons, this variant has been classified as Pathogenic.

Literature cited by the submitters: PubMed 20941788 (cited by Labcorp Genetics (formerly Invitae), Labcorp); PubMed 27471141 (cited by Labcorp Genetics (formerly Invitae), Labcorp).

NM_006363.6(SEC23B):c.2150del (p.Ala717fs)

Gene: SEC23B (SEC23 homolog B, COPII component; plus strand). Cytogenetic location: 20p11.23.
Variant type: Deletion.
Coding change: c.2150del on transcript NM_006363.6 (MANE Select); coding-DNA position 2150, one base deleted (C; older notation c.2150delC).
Protein change: p.Ala717fs; shifts the reading frame from alanine 717.
Molecular consequence: frameshift variant.
Genome position (GRCh38, 1-based): chr20:18,555,109, C deleted. VCF-style (leftmost placement, unchanged base first): chr20-18555108-GC-G. GRCh37 (hg19) VCF-style: chr20-18535752-GC-G.
Other names: c.2150del, p.Ala717fs (NM_001172745.3, NM_032985.6, NM_032986.5); c.2096del, p.Ala699fs (NM_001172746.3); short protein forms A717fs, A699fs.
Identifiers: ClinVar variation 632369 (VCV000632369.10), dbSNP rs1334741748, ClinGen allele CA741797274.
Genomic context (GRCh38, chr20:18,555,108, plus strand): 5'-ACATTAATATTAATGTCACTTTTTAATCTTTAAATCTTTTTGTTGTTGTTGTTGTTAAAG[GC>G]TCGATTCCTTTTGTCCAAAGTGAACCCATCTCAGACACACAATAACCTGTATGCTTGGGG-3'